The following is an entry in ClinVar:

ClinVar aggregate classification (germline): Uncertain significance (1 of 4 stars; one submission).

gnomAD v4.1: 2 of 1,574,374 alleles (0.00013%); highest among the groups gnomAD compares: Non-Finnish European, 0.00017%; no homozygotes.

Submission:

GeneDx
Classification: Uncertain significance. Last evaluated: 2024-01-10. Review status: criteria provided, single submitter. Criteria: GeneDx Variant Classification Process June 2021. Collection method: clinical testing. Allele origin: germline. Affected: yes.
Comment: Not observed at significant frequency in large population cohorts (gnomAD); In silico analysis supports that this missense variant does not alter protein structure/function; Has not been previously published as pathogenic or benign to our knowledge

NM_000218.3(KCNQ1):c.1885G>C (p.Gly629Arg)

Genes: KCNQ1 (potassium voltage-gated channel subfamily Q member 1; plus strand), KCNQ1-AS1 (KCNQ1 antisense RNA 1; minus strand). Cytogenetic location: 11p15.4.
Variant type: single nucleotide variant.
Coding change: c.1885G>C on transcript NM_000218.3 (MANE Select); coding-DNA position 1885, G replaced by C.
Protein change: p.Gly629Arg; replaces glycine 629 with arginine.
Molecular consequence: missense variant.
Genome position (GRCh38, 1-based): chr11:2,847,857, G>C. VCF-style: chr11-2847857-G-C. GRCh37 (hg19) VCF-style: chr11-2869087-G-C.
Other names: c.1789G>C, p.Gly597Arg (NM_001406836.1); c.1615G>C, p.Gly539Arg (NM_001406837.1); c.1345G>C, p.Gly449Arg (NM_001406838.1); c.397G>C, p.Gly133Arg (NM_001406839.1); c.1504G>C, p.Gly502Arg (NM_181798.2); short protein forms G133R, G449R, G502R, G539R, G597R, G629R.
Identifiers: ClinVar variation 3338742 (VCV003338742.1).